The following is an entry in ClinVar:

ClinVar aggregate classification (germline): Uncertain significance (1 of 4 stars; one submission).

Allele frequency attached by ClinVar (database versions not stated): gnomAD exomes 0.00001; TOPMed 0.00001; gnomAD 0.00001; ExAC 0.00005.
gnomAD v4.1: 23 of 1,614,050 alleles (0.0014%); highest among the groups gnomAD compares: South Asian, 0.018%; no homozygotes.

Submission:

Labcorp Genetics (formerly Invitae), Labcorp
Classification: Uncertain significance. Last evaluated: 2025-08-24. Review status: criteria provided, single submitter. Criteria: Invitae Variant Classification Sherloc (09022015). Collection method: clinical testing. Allele origin: germline.
Comment: This sequence change replaces alanine, which is neutral and non-polar, with threonine, which is neutral and polar, at codon 847 of the COL4A1 protein (p.Ala847Thr). This variant is present in population databases (rs768678871, gnomAD 0.02%). This variant has not been reported in the literature in individuals affected with COL4A1-related conditions. ClinVar contains an entry for this variant (Variation ID: 2979336). Invitae Evidence Modeling of protein sequence and biophysical properties (such as structural, functional, and spatial information, amino acid conservation, physicochemical variation, residue mobility, and thermodynamic stability) indicates that this missense variant is not expected to disrupt COL4A1 protein function with a negative predictive value of 95%. In summary, the available evidence is currently insufficient to determine the role of this variant in disease. Therefore, it has been classified as a Variant of Uncertain Significance.

NM_001845.6(COL4A1):c.2539G>A (p.Ala847Thr)

Gene: COL4A1 (collagen type IV alpha 1 chain; minus strand). Cytogenetic location: 13q34.
Variant type: single nucleotide variant.
Coding change: c.2539G>A on transcript NM_001845.6 (MANE Select); coding-DNA position 2539, G replaced by A.
Protein change: p.Ala847Thr; replaces alanine 847 with threonine.
Molecular consequence: missense variant.
Genome position (GRCh38, 1-based): chr13:110,178,151, C>T on the plus strand (G>A on the coding strand, the complement: COL4A1 is on the minus strand). VCF-style: chr13-110178151-C-T. GRCh37 (hg19) VCF-style: chr13-110830498-C-T.
Other names: short protein forms A847T.
Identifiers: ClinVar variation 2979336 (VCV002979336.3), dbSNP rs768678871, ClinGen allele CA7047561.